The following is an entry in ClinVar:

ClinVar aggregate classification (germline): Uncertain significance (1 of 4 stars; one submission).

Allele frequency attached by ClinVar (database versions not stated): ExAC 0.00001; gnomAD 0.00001; TOPMed 0.00001; gnomAD exomes 0.00002.

Submission:

Ambry Genetics
Classification: Uncertain significance. Last evaluated: 2023-10-10. Review status: criteria provided, single submitter. Criteria: Ambry Variant Classification Scheme 2023. Collection method: clinical testing. Allele origin: germline.
Comment: The p.R392W variant (also known as c.1174C>T), located in coding exon 3 of the TERF2IP gene, results from a C to T substitution at nucleotide position 1174. The arginine at codon 392 is replaced by tryptophan, an amino acid with dissimilar properties. This amino acid position is conserved. In addition, the in silico prediction for this alteration is inconclusive. Since supporting evidence is limited at this time, the clinical significance of this alteration remains unclear.

NM_018975.4(TERF2IP):c.1174C>T (p.Arg392Trp)

Gene: TERF2IP (TERF2 interacting protein; plus strand). Cytogenetic location: 16q23.1.
Variant type: single nucleotide variant.
Coding change: c.1174C>T on transcript NM_018975.4 (MANE Select); coding-DNA position 1174, C replaced by T.
Protein change: p.Arg392Trp; replaces arginine 392 with tryptophan.
Molecular consequence: missense variant. On other transcripts: non-coding transcript variant (1).
Genome position (GRCh38, 1-based): chr16:75,656,585, C>T. VCF-style: chr16-75656585-C-T. GRCh37 (hg19) VCF-style: chr16-75690483-C-T.
Other names: short protein forms R392W.
Identifiers: ClinVar variation 1740292 (VCV001740292.2), dbSNP rs754228214, ClinGen allele CA8178179.
Genomic context (GRCh38, chr16:75,656,585, plus strand): 5'-AAAGATGATGAGGATACCAGAGAGGCATTGGTCAAAAAATTTGGTGCTCAGAATGTAGCT[C>T]GGAGGATTGAATTTCGAAAGAAATAATTGGCAAGATAATGAGAAAAGAAAAAAGTCATGG-3'
Protein context (NP_061848.2, residues 382-399): VKKFGAQNVA[Arg392Trp]RIEFRKK